The following is an entry in ClinVar:

ClinVar aggregate classification (germline): Pathogenic (1 of 4 stars; one submission).

Submission:

Labcorp Genetics (formerly Invitae), Labcorp
Classification: Pathogenic. Last evaluated: 2022-07-19. Review status: criteria provided, single submitter. Criteria: Invitae Variant Classification Sherloc (09022015). Collection method: clinical testing. Allele origin: germline.
Comment: For these reasons, this variant has been classified as Pathogenic. ClinVar contains an entry for this variant (Variation ID: 1456658). This variant has not been reported in the literature in individuals affected with CTNNB1-related conditions. This variant is not present in population databases (gnomAD no frequency). This sequence change creates a premature translational stop signal (p.Lys270*) in the CTNNB1 gene. It is expected to result in an absent or disrupted protein product. Loss-of-function variants in CTNNB1 are known to be pathogenic (PMID: 23033978, 24614104, 25326669, 26350204, 28575650).

Literature cited by the submitters: PubMed 23033978; PubMed 24614104; PubMed 25326669; PubMed 26350204; PubMed 28575650.

NM_001904.4(CTNNB1):c.808A>T (p.Lys270Ter)

Gene: CTNNB1 (catenin beta 1; plus strand). Cytogenetic location: 3p22.1.
Variant type: single nucleotide variant.
Coding change: c.808A>T on transcript NM_001904.4 (MANE Select); coding-DNA position 808, A replaced by T.
Protein change: p.Lys270Ter; replaces lysine 270 with a stop codon.
Molecular consequence: nonsense.
Genome position (GRCh38, 1-based): chr3:41,225,733, A>T. VCF-style: chr3-41225733-A-T. GRCh37 (hg19) VCF-style: chr3-41267224-A-T.
Other names: c.808A>T, p.Lys270Ter (NM_001098209.2, NM_001098210.2); c.787A>T, p.Lys263Ter (NM_001330729.2); short protein forms K263*, K270*.
Identifiers: ClinVar variation 1456658 (VCV001456658.6), dbSNP rs2125624259, ClinGen allele CA352230198.